The following is an entry in ClinVar:

ClinVar aggregate classification (germline): Uncertain significance. Review status: criteria provided, multiple submitters, no conflicts (2 of 4 stars). 3 submissions from 3 submitters: Uncertain significance (2). 1 of the submissions does not count toward it. Last evaluated 2022-06-21.

Conditions:
Nemaline myopathy 2 (NEM2). Also called: Nemaline myopathy 2, autosomal recessive. Identifiers: MedGen C1850569, MONDO:0009725, OMIM 256030.

Allele frequency attached by ClinVar (database versions not stated): gnomAD 0.00001; TOPMed 0.00001.
gnomAD v4.1: 1 of 1,613,176 alleles (0.000062%); highest among the groups gnomAD compares: Admixed American, 0.0017%; no homozygotes.

Submissions (3):

GeneDx
Classification: Uncertain significance. Last evaluated: 2022-06-21. Review status: criteria provided, single submitter. Criteria: GeneDx Variant Classification Process June 2021. Collection method: clinical testing. Allele origin: germline. Affected: yes.
Comment: Not observed at significant frequency in large population cohorts (gnomAD); In silico analysis supports a deleterious effect on splicing; Has not been previously published as pathogenic or benign to our knowledge; This variant is associated with the following publications: (PMID: 17576681, 9536098)

Labcorp Genetics (formerly Invitae), Labcorp
Classification: Uncertain significance for Nemaline myopathy 2. Last evaluated: 2017-08-15. Review status: criteria provided, single submitter. Criteria: Invitae Variant Classification Sherloc (09022015). Collection method: clinical testing. Allele origin: germline.
Comment: This sequence change falls in intron 15 of the NEB gene. It does not directly change the encoded amino acid sequence of the NEB protein, but it affects a nucleotide within the consensus splice site of the intron. This variant is not present in population databases (ExAC no frequency). This variant has not been reported in the literature in individuals with NEB-related disease. Nucleotide substitutions within the consensus splice site are a relatively common cause of aberrant splicing (PMID: 17576681, 9536098). Algorithms developed to predict the effect of sequence changes on RNA splicing suggest that this variant may disrupt the consensus splice site, but this prediction has not been confirmed by published transcriptional studies. In summary, the available evidence is currently insufficient to determine the role of this variant in disease. Therefore, it has been classified as a Variant of Uncertain Significance.

Natera, Inc.
Classification: Uncertain significance for Nemaline myopathy type 2. Last evaluated: 2021-05-21. Review status: no assertion criteria provided. Collection method: clinical testing. Allele origin: germline. Not counted in ClinVar's aggregate classification.

Literature cited by the submitters: PubMed 17576681 (cited by Labcorp Genetics (formerly Invitae), Labcorp); PubMed 9536098 (cited by Labcorp Genetics (formerly Invitae), Labcorp).

NM_001164508.2(NEB):c.1365+5G>T

Gene: NEB (nebulin; minus strand). Cytogenetic location: 2q23.3.
Variant type: single nucleotide variant.
Coding change: c.1365+5G>T on transcript NM_001164508.2 (MANE Select); 5 bases into the intron after coding-DNA position 1365, G replaced by T.
Molecular consequence: intron variant.
Genome position (GRCh38, 1-based): chr2:151,697,345, C>A on the plus strand (G>T on the coding strand, the complement: NEB is on the minus strand). VCF-style: chr2-151697345-C-A. GRCh37 (hg19) VCF-style: chr2-152553859-C-A.
Other names: c.1365+5G>T (NM_004543.5, NM_001164507.2, NM_001271208.2).
Identifiers: ClinVar variation 534001 (VCV000534001.9), dbSNP rs1553607969, ClinGen allele CA658795893.
Genomic context (GRCh38, chr2:151,697,345, plus strand): 5'-GCCATTGTATTCATGCCCTGAGAAAAATGTTATTTGGAAAGTCAAACAATTGTCTTAGAA[C>A]TTACATCACTGTTTTGAGCTGTGACTTTCATGCAGTGTGAATGGTATGGATCCTCGAAGC-3'